The following is an entry in ClinVar:

NM_152383.5(DIS3L2):c.79G>C (p.Asp27His)

Gene: DIS3L2 (DIS3 like 3'-5' exoribonuclease 2; plus strand). Cytogenetic location: 2q37.1.
Variant type: single nucleotide variant.
Coding change: c.79G>C on transcript NM_152383.5 (MANE Select); coding-DNA position 79, G replaced by C.
Protein change: p.Asp27His; replaces aspartic acid 27 with histidine.
Molecular consequence: missense variant. On other transcripts: non-coding transcript variant (2).
Genome position (GRCh38, 1-based): chr2:232,015,540, G>C. VCF-style: chr2-232015540-G-C. GRCh37 (hg19) VCF-style: chr2-232880250-G-C.
Other names: c.79G>C, p.Asp27His (NM_001257281.2, NM_001257282.2); short protein forms D27H.
Identifiers: ClinVar variation 463130 (VCV000463130.9), dbSNP rs780747005, ClinGen allele CA2163713.

ClinVar aggregate classification (germline): Uncertain significance. Review status: criteria provided, multiple submitters, no conflicts (2 of 4 stars). 2 submissions from 2 submitters: Uncertain significance (2). Last evaluated 2024-07-22.

Conditions:
Inborn genetic diseases. Identifiers: MedGen C0950123, MeSH D030342.
Perlman syndrome (PRLMNS). Identifiers: Orphanet 2849, MedGen C0796113, MONDO:0009965, OMIM 267000.

Allele frequency attached by ClinVar (database versions not stated): ExAC 0.00001; gnomAD 0.00001; gnomAD exomes 0.00001; TOPMed 0.00001.
gnomAD v4.1: 20 of 1,613,872 alleles (0.0012%); highest among the groups gnomAD compares: Non-Finnish European, 0.0016%; no homozygotes.

Submissions (2):

Labcorp Genetics (formerly Invitae), Labcorp
Classification: Uncertain significance for Perlman syndrome. Last evaluated: 2024-07-22. Review status: criteria provided, single submitter. Criteria: Invitae Variant Classification Sherloc (09022015). Collection method: clinical testing. Allele origin: germline.
Comment: This sequence change replaces aspartic acid, which is acidic and polar, with histidine, which is basic and polar, at codon 27 of the DIS3L2 protein (p.Asp27His). This variant is present in population databases (rs780747005, gnomAD 0.003%). This variant has not been reported in the literature in individuals affected with DIS3L2-related conditions. ClinVar contains an entry for this variant (Variation ID: 463130). An algorithm developed to predict the effect of missense changes on protein structure and function (PolyPhen-2) suggests that this variant¬†is likely to be tolerated. In summary, the available evidence is currently insufficient to determine the role of this variant in disease. Therefore, it has been classified as a Variant of Uncertain Significance.

Ambry Genetics
Classification: Uncertain significance for Inborn genetic diseases. Last evaluated: 2022-11-03. Review status: criteria provided, single submitter. Criteria: Ambry Variant Classification Scheme 2023. Collection method: clinical testing. Allele origin: germline.